The following is an entry in ClinVar:

ClinVar aggregate classification (germline): Uncertain significance (1 of 4 stars; one submission).

Submission:

Labcorp Genetics (formerly Invitae), Labcorp
Classification: Uncertain significance. Last evaluated: 2025-10-02. Review status: criteria provided, single submitter. Criteria: Invitae Variant Classification Sherloc (09022015). Collection method: clinical testing. Allele origin: germline.
Comment: This sequence change replaces alanine, which is neutral and non-polar, with glycine, which is neutral and non-polar, at codon 1732 of the VPS13C protein (p.Ala1732Gly). This variant is not present in population databases (gnomAD no frequency). This variant has not been reported in the literature in individuals affected with VPS13C-related conditions. ClinVar contains an entry for this variant (Variation ID: 3655617). Invitae Evidence Modeling of protein sequence and biophysical properties (such as structural, functional, and spatial information, amino acid conservation, physicochemical variation, residue mobility, and thermodynamic stability) indicates that this missense variant is expected to disrupt VPS13C protein function with a positive predictive value of 80%. In summary, the available evidence is currently insufficient to determine the role of this variant in disease. Therefore, it has been classified as a Variant of Uncertain Significance.

NM_020821.3(VPS13C):c.5195C>G (p.Ala1732Gly)

Gene: VPS13C (vacuolar protein sorting 13 homolog C; minus strand). Cytogenetic location: 15q22.2.
Variant type: single nucleotide variant.
Coding change: c.5195C>G on transcript NM_020821.3 (MANE Select); coding-DNA position 5195, C replaced by G.
Protein change: p.Ala1732Gly; replaces alanine 1732 with glycine.
Molecular consequence: missense variant.
Genome position (GRCh38, 1-based): chr15:61,942,021, G>C on the plus strand (C>G on the coding strand, the complement: VPS13C is on the minus strand). VCF-style: chr15-61942021-G-C. GRCh37 (hg19) VCF-style: chr15-62234220-G-C.
Other names: c.5195C>G, p.Ala1732Gly (NM_001018088.3); c.5066C>G, p.Ala1689Gly (NM_017684.5, NM_018080.4); short protein forms A1689G, A1732G.
Identifiers: ClinVar variation 3655617 (VCV003655617.2).